The following is an entry in ClinVar:

ClinVar aggregate classification (germline): Uncertain significance (1 of 4 stars; one submission).

Conditions:
Epileptic encephalopathy. Identifiers: MedGen C0543888, HP:0200134.

Submission:

Labcorp Genetics (formerly Invitae), Labcorp
Classification: Uncertain significance for Epileptic encephalopathy. Last evaluated: 2022-08-27. Review status: criteria provided, single submitter. Criteria: Invitae Variant Classification Sherloc (09022015). Collection method: clinical testing. Allele origin: germline.
Comment: In summary, the available evidence is currently insufficient to determine the role of this variant in disease. Therefore, it has been classified as a Variant of Uncertain Significance. Algorithms developed to predict the effect of missense changes on protein structure and function (SIFT, PolyPhen-2, Align-GVGD) all suggest that this variant is likely to be tolerated. ClinVar contains an entry for this variant (Variation ID: 1009047). This variant has not been reported in the literature in individuals affected with FASN-related conditions. This variant is not present in population databases (gnomAD no frequency). This sequence change replaces alanine, which is neutral and non-polar, with threonine, which is neutral and polar, at codon 1883 of the FASN protein (p.Ala1883Thr).

NM_004104.5(FASN):c.5647G>A (p.Ala1883Thr)

Gene: FASN (fatty acid synthase; minus strand). Cytogenetic location: 17q25.3.
Variant type: single nucleotide variant.
Coding change: c.5647G>A on transcript NM_004104.5 (MANE Select); coding-DNA position 5647, G replaced by A.
Protein change: p.Ala1883Thr; replaces alanine 1883 with threonine.
Molecular consequence: missense variant.
Genome position (GRCh38, 1-based): chr17:82,083,034, C>T on the plus strand (G>A on the coding strand, the complement: FASN is on the minus strand). VCF-style: chr17-82083034-C-T. GRCh37 (hg19) VCF-style: chr17-80040910-C-T.
Other names: short protein forms A1883T.
Identifiers: ClinVar variation 1009047 (VCV001009047.8), dbSNP rs2034019745, ClinGen allele CA401535773.
Genomic context (GRCh38, chr17:82,083,034, plus strand): 5'-ACTGCGCCAACTCCAGGCCGAAGCCACCCAGACCACCAGCGATGATGTAGCTCTTGTGGG[C>T]CGGGCAGAAGGTCTTGGAGATGGCCGACATCAGCTTGGGTTTGGCCCCCTTCAGCACTGC-3'
Protein context (NP_004095.4, residues 1873-1893): MSAISKTFCP[Ala1883Thr]HKSYIIAGGL